The following is an entry in ClinVar:

NM_005609.4(PYGM):c.149G>A (p.Arg50Gln)

Gene: PYGM (glycogen phosphorylase, muscle associated; minus strand). Cytogenetic location: 11q13.1.
Variant type: single nucleotide variant.
Coding change: c.149G>A on transcript NM_005609.4 (MANE Select); coding-DNA position 149, G replaced by A.
Protein change: p.Arg50Gln; replaces arginine 50 with glutamine.
Molecular consequence: missense variant.
Genome position (GRCh38, 1-based): chr11:64,759,750, C>T on the plus strand (G>A on the coding strand, the complement: PYGM is on the minus strand). VCF-style: chr11-64759750-C-T. GRCh37 (hg19) VCF-style: chr11-64527222-C-T.
Other names: c.149G>A (NM_005609.2); c.149G>A, p.Arg50Gln (NM_001164716.1); short protein forms R50Q.
Identifiers: ClinVar variation 967832 (VCV000967832.10), dbSNP rs758175735, ClinGen allele CA6080358.

ClinVar aggregate classification (germline): Uncertain significance. Review status: criteria provided, multiple submitters, no conflicts (2 of 4 stars). 5 submissions from 5 submitters: Uncertain significance (4). 1 of the submissions does not count toward it. Last evaluated 2024-04-11.

Conditions:
Inborn genetic diseases. Identifiers: MedGen C0950123, MeSH D030342.
Glycogen storage disease, type V (GSD5). Also called: MCARDLE DISEASE; MUSCLE GLYCOGEN PHOSPHORYLASE DEFICIENCY; MYOPHOSPHORYLASE DEFICIENCY; PYGM DEFICIENCY; McArdle type glycogen storage disease. Identifiers: Orphanet 368, MedGen C0017924, MONDO:0009293, OMIM 232600.

Allele frequency attached by ClinVar (database versions not stated): gnomAD exomes 0.00002 and 0.00003; ExAC 0.00003; gnomAD 0.00003 and 0.00004; TOPMed 0.00004.
gnomAD v4.1: 44 of 1,614,104 alleles (0.0027%); highest among the groups gnomAD compares: East Asian, 0.0045%; no homozygotes.

Submissions (5):

Fulgent Genetics
Classification: Uncertain significance for Glycogen storage disease, type V. Last evaluated: 2024-04-11. Review status: criteria provided, single submitter. Criteria: ACMG Guidelines, 2015. Collection method: clinical testing. Allele origin: germline.

Ambry Genetics
Classification: Uncertain significance for Inborn genetic diseases. Last evaluated: 2022-11-10. Review status: criteria provided, single submitter. Criteria: Ambry Variant Classification Scheme 2023. Collection method: clinical testing. Allele origin: germline.

Labcorp Genetics (formerly Invitae), Labcorp
Classification: Uncertain significance for Glycogen storage disease, type V. Last evaluated: 2022-05-31. Review status: criteria provided, single submitter. Criteria: Invitae Variant Classification Sherloc (09022015). Collection method: clinical testing. Allele origin: germline.
Comment: This sequence change replaces arginine, which is basic and polar, with glutamine, which is neutral and polar, at codon 50 of the PYGM protein (p.Arg50Gln). This variant is present in population databases (rs758175735, gnomAD 0.004%). This variant has not been reported in the literature in individuals affected with PYGM-related conditions. ClinVar contains an entry for this variant (Variation ID: 967832). Algorithms developed to predict the effect of missense changes on protein structure and function are either unavailable or do not agree on the potential impact of this missense change (SIFT: "Not Available"; PolyPhen-2: "Possibly Damaging"; Align-GVGD: "Not Available"). In summary, the available evidence is currently insufficient to determine the role of this variant in disease. Therefore, it has been classified as a Variant of Uncertain Significance.

Revvity Omics, Revvity
Classification: Uncertain significance for Glycogen storage disease, type V. Last evaluated: 2020-09-14. Review status: criteria provided, single submitter. Criteria: ACMG Guidelines, 2015. Collection method: clinical testing. Allele origin: germline.

Natera, Inc.
Classification: Uncertain significance for Glycogen storage disease V. Last evaluated: 2020-12-18. Review status: no assertion criteria provided. Collection method: clinical testing. Allele origin: germline. Not counted in ClinVar's aggregate classification.